The following is an entry in ClinVar:

NM_001277115.2(DNAH11):c.13263_13265del (p.Pro4422del)

Gene: DNAH11 (dynein axonemal heavy chain 11; plus strand). Cytogenetic location: 7p15.3.
Variant type: Deletion.
Coding change: c.13263_13265del on transcript NM_001277115.2 (MANE Select); coding-DNA positions 13263 to 13265, 3 bases deleted (GCC; older notation c.13263_13265delGCC).
Protein change: p.Pro4422del; deletes proline 4422.
Molecular consequence: inframe deletion.
Genome position (GRCh38, 1-based): chr7:21,900,080-21,900,082, GCC deleted; deleting any 3 consecutive bases within chr7:21,900,078-21,900,082 gives the same sequence; the c. name uses the placement nearest the transcript's 3' end. VCF-style (leftmost placement, unchanged base first): chr7-21900077-CCCG-C. GRCh37 (hg19) VCF-style: chr7-21939695-CCCG-C.
Other names: short protein forms P4422del.
Identifiers: ClinVar variation 1016133 (VCV001016133.9), dbSNP rs1784704513, ClinGen allele CA1693735791.

ClinVar aggregate classification (germline): Uncertain significance (1 of 4 stars; one submission).

Conditions:
Primary ciliary dyskinesia. Also called: Ciliary dyskinesia. Identifiers: Orphanet 244, MedGen C0008780, MONDO:0016575, HP:0012265.

Submission:

Labcorp Genetics (formerly Invitae), Labcorp
Classification: Uncertain significance for Primary ciliary dyskinesia. Last evaluated: 2020-08-20. Review status: criteria provided, single submitter. Criteria: Invitae Variant Classification Sherloc (09022015). Collection method: clinical testing. Allele origin: germline.
Comment: In summary, the available evidence is currently insufficient to determine the role of this variant in disease. Therefore, it has been classified as a Variant of Uncertain Significance. Experimental studies and prediction algorithms are not available or were not evaluated, and the functional significance of this variant is currently unknown. This variant has not been reported in the literature in individuals with DNAH11-related conditions. This variant is not present in population databases (ExAC no frequency). This variant, c.13263_13265del, results in the deletion of 1 amino acid(s) of the DNAH11 protein (p.Pro4422del), but otherwise preserves the integrity of the reading frame.